The following is an entry in ClinVar:

NM_007209.4(RPL35):c.103A>G (p.Lys35Glu)

Gene: RPL35 (ribosomal protein L35; minus strand). Cytogenetic location: 9q33.3.
Variant type: single nucleotide variant.
Coding change: c.103A>G on transcript NM_007209.4 (MANE Select); coding-DNA position 103, A replaced by G.
Protein change: p.Lys35Glu; replaces lysine 35 with glutamic acid.
Molecular consequence: missense variant.
Genome position (GRCh38, 1-based): chr9:124,861,456, T>C on the plus strand (A>G on the coding strand, the complement: RPL35 is on the minus strand). VCF-style: chr9-124861456-T-C. GRCh37 (hg19) VCF-style: chr9-127623735-T-C.
Other names: short protein forms K35E.
Identifiers: ClinVar variation 3693475 (VCV003693475.2).

ClinVar aggregate classification (germline): Uncertain significance (1 of 4 stars; one submission).

Submission:

Labcorp Genetics (formerly Invitae), Labcorp
Classification: Uncertain significance. Last evaluated: 2024-05-16. Review status: criteria provided, single submitter. Criteria: Invitae Variant Classification Sherloc (09022015). Collection method: clinical testing. Allele origin: germline.
Comment: This sequence change replaces lysine, which is basic and polar, with glutamic acid, which is acidic and polar, at codon 35 of the RPL35 protein (p.Lys35Glu). This variant is not present in population databases (gnomAD no frequency). This variant has not been reported in the literature in individuals affected with RPL35-related conditions. An algorithm developed to predict the effect of missense changes on protein structure and function (PolyPhen-2) suggests that this variant is likely to be tolerated. In summary, the available evidence is currently insufficient to determine the role of this variant in disease. Therefore, it has been classified as a Variant of Uncertain Significance.